The following is an entry in ClinVar:

ClinVar aggregate classification (germline): Uncertain significance (1 of 4 stars; one submission).

Submission:

Labcorp Genetics (formerly Invitae), Labcorp
Classification: Uncertain significance. Last evaluated: 2023-06-29. Review status: criteria provided, single submitter. Criteria: Invitae Variant Classification Sherloc (09022015). Collection method: clinical testing. Allele origin: germline.
Comment: In summary, the available evidence is currently insufficient to determine the role of this variant in disease. Therefore, it has been classified as a Variant of Uncertain Significance. An algorithm developed to predict the effect of missense changes on protein structure and function (PolyPhen-2) suggests that this variant is likely to be disruptive. This variant has not been reported in the literature in individuals affected with CPOX-related conditions. This variant is not present in population databases (gnomAD no frequency). This sequence change replaces glycine, which is neutral and non-polar, with arginine, which is basic and polar, at codon 71 of the CPOX protein (p.Gly71Arg).

NM_000097.7(CPOX):c.211G>C (p.Gly71Arg)

Genes: CPOX (coproporphyrinogen oxidase; minus strand), LOC129937121 (ATAC-STARR-seq lymphoblastoid silent region 14560; plus strand). Cytogenetic location: 3q11.2.
Variant type: single nucleotide variant.
Coding change: c.211G>C on transcript NM_000097.7 (MANE Select); coding-DNA position 211, G replaced by C.
Protein change: p.Gly71Arg; replaces glycine 71 with arginine.
Molecular consequence: missense variant.
Genome position (GRCh38, 1-based): chr3:98,593,294, C>G on the plus strand (G>C on the coding strand, the complement: CPOX is on the minus strand). VCF-style: chr3-98593294-C-G. GRCh37 (hg19) VCF-style: chr3-98312138-C-G.
Other names: short protein forms G71R.
Identifiers: ClinVar variation 2717960 (VCV002717960.3), dbSNP rs767862234, ClinGen allele CA353646925.
Genomic context (GRCh38, chr3:98,593,294, plus strand): 5'-CGGTGGCCAGCCCCACCAACCCCGCCAGCGCCGCGGCCAGCCCTGTCCCCACCCAGGGGC[C>G]GCCTCTCGACGTCGAGCCGTGCCCCAGCCCGCGGCTCTGCTCCGTGCCAGCCGGGCCAGG-3'
Protein context (NP_000088.3, residues 61-81): GLGHGSTSRG[Gly71Arg]PWVGTGLAAA